The following is an entry in ClinVar:

ClinVar aggregate classification (germline): Uncertain significance. Review status: criteria provided, multiple submitters, no conflicts (2 of 4 stars). 2 submissions from 2 submitters: Uncertain significance (2). Last evaluated 2025-08-29.

Conditions:
Cardiovascular phenotype. Identifiers: MedGen CN230736.
Brugada syndrome. Also called: Sudden unexpected nocturnal death syndrome; Sudden Unexplained Death Syndrome; Sudden Unexplained Nocturnal Death Syndrome (SUNDS); Sudden unexplained nocturnal death syndrome. Identifiers: Orphanet 130, MedGen C1142166, MONDO:0015263.

Submissions (2):

Labcorp Genetics (formerly Invitae), Labcorp
Classification: Uncertain significance for Brugada syndrome. Last evaluated: 2025-08-29. Review status: criteria provided, single submitter. Criteria: Invitae Variant Classification Sherloc (09022015). Collection method: clinical testing. Allele origin: germline.
Comment: This sequence change creates a premature translational stop signal (p.Tyr1677Leufs*3) in the SCN10A gene. While this is not anticipated to result in nonsense mediated decay, it is expected to disrupt the last 280 amino acid(s) of the SCN10A protein. This variant is present in population databases (rs772552344, gnomAD 0.04%). This variant has not been reported in the literature in individuals affected with SCN10A-related conditions. ClinVar contains an entry for this variant (Variation ID: 943069). In summary, the available evidence is currently insufficient to determine the role of this variant in disease. Therefore, it has been classified as a Variant of Uncertain Significance.

Ambry Genetics
Classification: Uncertain significance for Cardiovascular phenotype. Last evaluated: 2025-06-09. Review status: criteria provided, single submitter. Criteria: Ambry Variant Classification Scheme 2023. Collection method: clinical testing. Allele origin: germline.
Comment: The c.5028dupC variant, located in coding exon 27 of the SCN10A gene, results from a duplication of C at nucleotide position 5028, causing a translational frameshift with a predicted alternate stop codon (p.Y1677Lfs*3). This alteration is expected to result in protein truncation or nonsense-mediated mRNA decay. However, loss of function of SCN10A has not been established as a mechanism of disease. The evidence for this gene-disease relationship is limited; therefore, the clinical significance of this alteration is unclear.

NM_006514.4(SCN10A):c.5028dup (p.Tyr1677fs)

Gene: SCN10A (sodium voltage-gated channel alpha subunit 10; minus strand). Cytogenetic location: 3p22.2.
Variant type: Duplication.
Coding change: c.5028dup on transcript NM_006514.4 (MANE Select); coding-DNA position 5028, one base duplicated (C; older notation c.5028dupC).
Protein change: p.Tyr1677fs; shifts the reading frame from tyrosine 1677.
Molecular consequence: frameshift variant.
Genome position (GRCh38, 1-based): chr3:38,698,192, G duplicated on the plus strand (C on the coding strand, the reverse complement: SCN10A is on the minus strand); the first of 6 consecutive G bases (chr3:38,698,192-38,698,197); duplicating any one gives the same sequence. VCF-style (leftmost placement, unchanged base first): chr3-38698191-A-AG. GRCh37 (hg19) VCF-style: chr3-38739682-A-AG.
Other names: c.5025dup, p.Tyr1676fs (NM_001293306.2); c.4734dup, p.Tyr1579fs (NM_001293307.2); c.5028dupC (NM_006514.2); short protein forms Y1579fs, Y1676fs, Y1677fs.
Identifiers: ClinVar variation 943069 (VCV000943069.6), dbSNP rs748973626, ClinGen allele CA2319751.